The following is an entry in ClinVar:

ClinVar aggregate classification (germline): Uncertain significance (1 of 4 stars; one submission).

Submission:

Labcorp Genetics (formerly Invitae), Labcorp
Classification: Uncertain significance. Last evaluated: 2024-12-09. Review status: criteria provided, single submitter. Criteria: Invitae Variant Classification Sherloc (09022015). Collection method: clinical testing. Allele origin: germline.
Comment: This sequence change replaces isoleucine, which is neutral and non-polar, with asparagine, which is neutral and polar, at codon 41 of the IL23R protein (p.Ile41Asn). This variant is not present in population databases (gnomAD no frequency). This variant has not been reported in the literature in individuals affected with IL23R-related conditions. ClinVar contains an entry for this variant (Variation ID: 1487392). An algorithm developed to predict the effect of missense changes on protein structure and function (PolyPhen-2) suggests that this variant is likely to be tolerated. In summary, the available evidence is currently insufficient to determine the role of this variant in disease. Therefore, it has been classified as a Variant of Uncertain Significance.

NM_144701.3(IL23R):c.122T>A (p.Ile41Asn)

Gene: IL23R (interleukin 23 receptor; plus strand). Cytogenetic location: 1p31.3.
Variant type: single nucleotide variant.
Coding change: c.122T>A on transcript NM_144701.3 (MANE Select); coding-DNA position 122, T replaced by A.
Protein change: p.Ile41Asn; replaces isoleucine 41 with asparagine.
Molecular consequence: missense variant.
Genome position (GRCh38, 1-based): chr1:67,169,393, T>A. VCF-style: chr1-67169393-T-A. GRCh37 (hg19) VCF-style: chr1-67635076-T-A.
Other names: short protein forms I41N.
Identifiers: ClinVar variation 1487392 (VCV001487392.6), dbSNP rs2102555960, ClinGen allele CA340732203.